The following is an entry in ClinVar:

ClinVar aggregate classification (germline): Pathogenic (1 of 4 stars; one submission).

Conditions:
Bloom syndrome (BLM). Also called: Bloom-Torre-Machacek syndrome. Identifiers: Orphanet 125, MedGen C0005859, MONDO:0008876, OMIM 210900.

Submission:

Labcorp Genetics (formerly Invitae), Labcorp
Classification: Pathogenic for Bloom syndrome. Last evaluated: 2025-09-30. Review status: criteria provided, single submitter. Criteria: Invitae Variant Classification Sherloc (09022015). Collection method: clinical testing. Allele origin: germline.
Comment: This sequence change creates a premature translational stop signal (p.Leu913Serfs*49) in the BLM gene. It is expected to result in an absent or disrupted protein product. Loss-of-function variants in BLM are known to be pathogenic (PMID: 17407155). This variant is not present in population databases (gnomAD no frequency). This variant has not been reported in the literature in individuals affected with BLM-related conditions. For these reasons, this variant has been classified as Pathogenic.

Literature cited by the submitters: PubMed 17407155.

NM_000057.4(BLM):c.2736del (p.Leu913fs)

Gene: BLM (BLM RecQ like helicase; plus strand). Cytogenetic location: 15q26.1.
Variant type: Deletion.
Coding change: c.2736del on transcript NM_000057.4 (MANE Select); coding-DNA position 2736, one base deleted (G; older notation c.2736delG).
Protein change: p.Leu913fs; shifts the reading frame from leucine 913.
Molecular consequence: frameshift variant.
Genome position (GRCh38, 1-based): chr15:90,784,994, G deleted; the last of 3 consecutive G bases (chr15:90,784,992-90,784,994); deleting any one gives the same sequence. VCF-style (leftmost placement, unchanged base first): chr15-90784991-TG-T. GRCh37 (hg19) VCF-style: chr15-91328221-TG-T.
Other names: c.2736del, p.Leu913fs (NM_001287246.2, NM_001287247.2); c.1611del, p.Leu538fs (NM_001287248.2); short protein forms L538fs, L913fs.
Identifiers: ClinVar variation 4745154 (VCV004745154.1).